The following is an entry in ClinVar:

ClinVar aggregate classification (germline): Uncertain significance (1 of 4 stars; one submission).

Conditions:
Deficiency of alpha-mannosidase (MANSA). Also called: Alpha-Mannosidosis; Mannosidosis, alpha-, types I and II; LYSOSOMAL ALPHA-D-MANNOSIDASE DEFICIENCY. Identifiers: Orphanet 61, MedGen C0024748, MONDO:0009561, OMIM 248500.

Allele frequency attached by ClinVar (database versions not stated): gnomAD exomes below 0.00001.
gnomAD v4.1: 1 of 1,614,046 alleles (0.000062%); highest among the groups gnomAD compares: Admixed American, 0.0017%; no homozygotes.

Submission:

Labcorp Genetics (formerly Invitae), Labcorp
Classification: Uncertain significance for Deficiency of alpha-mannosidase. Last evaluated: 2021-08-26. Review status: criteria provided, single submitter. Criteria: Invitae Variant Classification Sherloc (09022015). Collection method: clinical testing. Allele origin: germline.
Comment: This sequence change replaces aspartic acid with glycine at codon 319 of the MAN2B1 protein (p.Asp319Gly). The aspartic acid residue is highly conserved and there is a moderate physicochemical difference between aspartic acid and glycine. This variant is not present in population databases (ExAC no frequency). This variant has not been reported in the literature in individuals affected with MAN2B1-related conditions. Algorithms developed to predict the effect of missense changes on protein structure and function (SIFT, PolyPhen-2, Align-GVGD) all suggest that this variant is likely to be disruptive. In summary, the available evidence is currently insufficient to determine the role of this variant in disease. Therefore, it has been classified as a Variant of Uncertain Significance.

NM_000528.4(MAN2B1):c.956A>G (p.Asp319Gly)

Gene: MAN2B1 (mannosidase alpha class 2B member 1; minus strand). Cytogenetic location: 19p13.13.
Variant type: single nucleotide variant.
Coding change: c.956A>G on transcript NM_000528.4 (MANE Select); coding-DNA position 956, A replaced by G.
Protein change: p.Asp319Gly; replaces aspartic acid 319 with glycine.
Molecular consequence: missense variant.
Genome position (GRCh38, 1-based): chr19:12,661,330, T>C on the plus strand (A>G on the coding strand, the complement: MAN2B1 is on the minus strand). VCF-style: chr19-12661330-T-C. GRCh37 (hg19) VCF-style: chr19-12772144-T-C.
Other names: c.956A>G, p.Asp319Gly (NM_001173498.2); short protein forms D319G.
Identifiers: ClinVar variation 1436177 (VCV001436177.5), dbSNP rs1222864490, ClinGen allele CA404250521.